The following is an entry in ClinVar:

NM_015570.4(AUTS2):c.1831-16T>C

Gene: AUTS2 (activator of transcription and developmental regulator AUTS2; plus strand). Cytogenetic location: 7q11.22.
Variant type: single nucleotide variant.
Coding change: c.1831-16T>C on transcript NM_015570.4 (MANE Select); 16 bases into the intron before coding-DNA position 1831, T replaced by C.
Molecular consequence: intron variant.
Genome position (GRCh38, 1-based): chr7:70,774,012, T>C. VCF-style: chr7-70774012-T-C. GRCh37 (hg19) VCF-style: chr7-70238998-T-C.
Other names: c.1831-1345T>C (NM_001127231.3).
Identifiers: ClinVar variation 4291776 (VCV004291776.1).

ClinVar aggregate classification (germline): Uncertain significance (1 of 4 stars; one submission).

Conditions:
Autism spectrum disorder due to AUTS2 deficiency (MRD26). Also called: INTELLECTUAL DEVELOPMENTAL DISORDER, AUTOSOMAL DOMINANT 26. Identifiers: Orphanet 352490, MedGen C4014435, MONDO:0014361, OMIM 615834.

Submission:

3billion
Classification: Uncertain significance for Autism spectrum disorder due to AUTS2 deficiency. Last evaluated: 2025-01-20. Review status: criteria provided, single submitter. Criteria: ACMG Guidelines, 2015. Collection method: clinical testing. Allele origin: germline. Affected: yes.
Comment: The variant is not observed in the gnomAD v4.1.0 dataset. Predicted Consequence/Location: Intron variant In silico tools predict the variant to alter splicing and produce an abnormal transcript [SpliceAI: 0.25 (>=0.2, moderate evidence for spliceogenicity)]. Therefore, this variant is classified as VUS according to the recommendation of ACMG/AMP guideline.